The following is an entry in ClinVar:

ClinVar aggregate classification (germline): Likely pathogenic (1 of 4 stars; one submission).

Conditions:
Early-infantile DEE. Also called: Early infantile epileptic encephalopathy; Early infantile epileptic encephalopathy with suppression bursts; Ohtahara syndrome. Identifiers: Orphanet 1934, MedGen C0393706, MONDO:0800491.

Submission:

Labcorp Genetics (formerly Invitae), Labcorp
Classification: Likely pathogenic for Early-infantile DEE. Last evaluated: 2021-09-19. Review status: criteria provided, single submitter. Criteria: Invitae Variant Classification Sherloc (09022015). Collection method: clinical testing. Allele origin: germline.
Comment: In summary, the currently available evidence indicates that the variant is pathogenic, but additional data are needed to prove that conclusively. Therefore, this variant has been classified as Likely Pathogenic. Algorithms developed to predict the effect of sequence changes on RNA splicing suggest that this variant may disrupt the consensus splice site. This variant has not been reported in the literature in individuals affected with CACNA2D2-related conditions. This variant is not present in population databases (ExAC no frequency). This sequence change affects an acceptor splice site in intron 19 of the CACNA2D2 gene. It is expected to disrupt RNA splicing. Variants that disrupt the donor or acceptor splice site typically lead to a loss of protein function (PMID: 16199547), and loss-of-function variants in CACNA2D2 are known to be pathogenic (PMID: 24358150).

Literature cited by the submitters: PubMed 16199547; PubMed 24358150.

NM_006030.4(CACNA2D2):c.1774-2A>G

Gene: CACNA2D2 (calcium voltage-gated channel auxiliary subunit alpha2delta 2; minus strand). Cytogenetic location: 3p21.31.
Variant type: single nucleotide variant.
Coding change: c.1774-2A>G on transcript NM_006030.4 (MANE Select); the canonical splice acceptor site of the intron before coding-DNA position 1774, A replaced by G.
Molecular consequence: splice acceptor variant.
Genome position (GRCh38, 1-based): chr3:50,375,882, T>C on the plus strand (A>G on the coding strand, the complement: CACNA2D2 is on the minus strand). VCF-style: chr3-50375882-T-C. GRCh37 (hg19) VCF-style: chr3-50413313-T-C.
Other names: c.1567-2A>G (NM_001291101.1); c.1774-2A>G (NM_001005505.3, NM_001410768.1, NM_001174051.3).
Identifiers: ClinVar variation 1487068 (VCV001487068.7), dbSNP rs2106640384, ClinGen allele CA352924601.